The following is an entry in ClinVar:

ClinVar aggregate classification (germline): Uncertain significance (1 of 4 stars; one submission).

Submission:

Labcorp Genetics (formerly Invitae), Labcorp
Classification: Uncertain significance. Last evaluated: 2022-10-17. Review status: criteria provided, single submitter. Criteria: Invitae Variant Classification Sherloc (09022015). Collection method: clinical testing. Allele origin: germline.
Comment: In summary, the available evidence is currently insufficient to determine the role of this variant in disease. Therefore, it has been classified as a Variant of Uncertain Significance. This variant has not been reported in the literature in individuals affected with ISCU-related conditions. This variant is not present in population databases (gnomAD no frequency). This sequence change creates a premature translational stop signal (p.Leu75Thrfs*6) in the ISCU gene. It is expected to result in an absent or disrupted protein product. However, the current clinical and genetic evidence is not sufficient to establish whether loss-of-function variants in ISCU cause disease.

NM_213595.4(ISCU):c.223_224del (p.Leu75fs)

Gene: ISCU (iron-sulfur cluster assembly enzyme; plus strand). Cytogenetic location: 12q23.3.
Variant type: Deletion.
Coding change: c.223_224del on transcript NM_213595.4 (MANE Select); coding-DNA positions 223 to 224, 2 bases deleted (TT; older notation c.223_224delTT).
Protein change: p.Leu75fs; shifts the reading frame from leucine 75.
Molecular consequence: frameshift variant. On other transcripts: non-coding transcript variant (1).
Genome position (GRCh38, 1-based): chr12:108,564,387-108,564,388, TT deleted. VCF-style (leftmost placement, unchanged base first): chr12-108564386-ATT-A. GRCh37 (hg19) VCF-style: chr12-108958162-ATT-A.
Other names: c.223_224del, p.Leu75fs (NM_001301140.1, NM_001301141.1, NM_001320042.1); c.148_149del, p.Leu50fs (NM_014301.4); short protein forms L75fs, L50fs.
Identifiers: ClinVar variation 2118195 (VCV002118195.4), dbSNP rs2540776721, ClinGen allele CA2580085747.